The following is an entry in ClinVar:

ClinVar aggregate classification (germline): Uncertain significance. Review status: criteria provided, multiple submitters, no conflicts (2 of 4 stars). 2 submissions from 2 submitters: Uncertain significance (2). Last evaluated 2023-10-11.

Conditions:
Hereditary cancer-predisposing syndrome. Also called: Neoplastic Syndromes, Hereditary; Hereditary Cancer Syndrome; Hereditary neoplastic syndrome; Tumor predisposition. Identifiers: Orphanet 140162, MedGen C0027672, MeSH D009386, MONDO:0015356.
Ataxia-telangiectasia syndrome (AT). Also called: LOUIS-BAR SYNDROME; Ataxia-telangiectasia, complementation group E; Ataxia-telangiectasia, complementation group D; AT, COMPLEMENTATION GROUP C; Ataxia telangiectasia (A-T); Cerebello-oculocutaneous telangiectasia. Identifiers: Orphanet 100, MedGen C0004135, MONDO:0008840, OMIM 208900.

Submissions (2):

Ambry Genetics
Classification: Uncertain significance for Hereditary cancer-predisposing syndrome. Last evaluated: 2023-10-11. Review status: criteria provided, single submitter. Criteria: Ambry Variant Classification Scheme 2023. Collection method: clinical testing. Allele origin: germline.
Comment: The p.E634G variant (also known as c.1901A>G), located in coding exon 12 of the ATM gene, results from an A to G substitution at nucleotide position 1901. The glutamic acid at codon 634 is replaced by glycine, an amino acid with similar properties. This amino acid position is conserved. In addition, this alteration is predicted to be tolerated by in silico analysis. Since supporting evidence is limited at this time, the clinical significance of this alteration remains unclear.

Labcorp Genetics (formerly Invitae), Labcorp
Classification: Uncertain significance for Ataxia-telangiectasia syndrome. Last evaluated: 2021-06-16. Review status: criteria provided, single submitter. Criteria: Invitae Variant Classification Sherloc (09022015). Collection method: clinical testing. Allele origin: germline.
Comment: This variant is not present in population databases (ExAC no frequency). In summary, the available evidence is currently insufficient to determine the role of this variant in disease. Therefore, it has been classified as a Variant of Uncertain Significance. Algorithms developed to predict the effect of missense changes on protein structure and function (SIFT, PolyPhen-2, Align-GVGD) all suggest that this variant is likely to be tolerated, but these predictions have not been confirmed by published functional studies and their clinical significance is uncertain. This variant has not been reported in the literature in individuals with ATM-related conditions. This sequence change replaces glutamic acid with glycine at codon 634 of the ATM protein (p.Glu634Gly). The glutamic acid residue is moderately conserved and there is a moderate physicochemical difference between glutamic acid and glycine.

NM_000051.4(ATM):c.1901A>G (p.Glu634Gly)

Gene: ATM (ATM serine/threonine kinase; plus strand). Cytogenetic location: 11q22.3.
Variant type: single nucleotide variant.
Coding change: c.1901A>G on transcript NM_000051.4 (MANE Select); coding-DNA position 1901, A replaced by G.
Protein change: p.Glu634Gly; replaces glutamic acid 634 with glycine.
Molecular consequence: missense variant.
Genome position (GRCh38, 1-based): chr11:108,253,816, A>G. VCF-style: chr11-108253816-A-G. GRCh37 (hg19) VCF-style: chr11-108124543-A-G.
Other names: c.1901A>G, p.Glu634Gly (NM_001351834.2); short protein forms E634G.
Identifiers: ClinVar variation 645481 (VCV000645481.11), dbSNP rs1555073069, ClinGen allele CA382536266.